The following is an entry in ClinVar:

ClinVar aggregate classification (germline): Uncertain significance (1 of 4 stars; one submission).

Conditions:
Inborn genetic diseases. Identifiers: MedGen C0950123, MeSH D030342.

Submission:

Ambry Genetics
Classification: Uncertain significance for Inborn genetic diseases. Last evaluated: 2025-06-14. Review status: criteria provided, single submitter. Criteria: Ambry Variant Classification Scheme 2023. Collection method: clinical testing. Allele origin: germline.
Comment: The p.A375T variant (also known as c.1123G>A), located in coding exon 1 of the SAMD9 gene, results from a G to A substitution at nucleotide position 1123. The alanine at codon 375 is replaced by threonine, an amino acid with similar properties. This amino acid position is conserved. In addition, this alteration is predicted to be tolerated by in silico analysis. Based on the available evidence, the clinical significance of this variant remains unclear.

NM_017654.4(SAMD9):c.1123G>A (p.Ala375Thr)

Gene: SAMD9 (sterile alpha motif domain containing 9; minus strand). Cytogenetic location: 7q21.2.
Variant type: single nucleotide variant.
Coding change: c.1123G>A on transcript NM_017654.4 (MANE Select); coding-DNA position 1123, G replaced by A.
Protein change: p.Ala375Thr; replaces alanine 375 with threonine.
Molecular consequence: missense variant.
Genome position (GRCh38, 1-based): chr7:93,104,975, C>T on the plus strand (G>A on the coding strand, the complement: SAMD9 is on the minus strand). VCF-style: chr7-93104975-C-T. GRCh37 (hg19) VCF-style: chr7-92734288-C-T.
Other names: c.1123G>A, p.Ala375Thr (NM_001193307.2); short protein forms A375T.
Identifiers: ClinVar variation 3949736 (VCV003949736.1).